The following is an entry in ClinVar:

NM_022336.4(EDAR):c.1169del (p.Gly390fs)

Genes: EDAR (ectodysplasin A receptor; minus strand), RANBP2 (RAN binding protein 2; plus strand). Cytogenetic location: 2q13.
Variant type: Deletion.
Coding change: c.1169del on transcript NM_022336.4 (MANE Select); coding-DNA position 1169, one base deleted (G; older notation c.1169delG).
Protein change: p.Gly390fs; shifts the reading frame from glycine 390.
Molecular consequence: frameshift variant.
Genome position (GRCh38, 1-based): chr2:108,897,085, C deleted on the plus strand (G on the coding strand, the reverse complement: EDAR is on the minus strand); the first of 5 consecutive C bases (chr2:108,897,085-108,897,089); deleting any one gives the same sequence. VCF-style (leftmost placement, unchanged base first): chr2-108897084-GC-G. GRCh37 (hg19) VCF-style: chr2-109513540-GC-G.
Other names: short protein forms G390fs.
Identifiers: ClinVar variation 859573 (VCV000859573.9), dbSNP rs1558793621, ClinGen allele CA916082193.

ClinVar aggregate classification (germline): Pathogenic (1 of 4 stars; one submission).

Conditions:
Autosomal recessive hypohidrotic ectodermal dysplasia syndrome. Also called: Autosomal recessive hypohidrotic ectodermal dysplasia. Identifiers: Orphanet 248, MedGen C0406702, MONDO:0016619.
Ectodermal dysplasia 10A, hypohidrotic/hair/nail type, autosomal dominant (ECTD10A). Also called: Ectodermal Dysplasia 3, Anhidrotic. Identifiers: Orphanet 1810, Orphanet 238468, MedGen C3888065, MONDO:0007509, OMIM 129490.

Submission:

Labcorp Genetics (formerly Invitae), Labcorp
Classification: Pathogenic for Ectodermal dysplasia 10A, hypohidrotic/hair/nail type, autosomal dominant; Autosomal recessive hypohidrotic ectodermal dysplasia syndrome. Last evaluated: 2019-06-05. Review status: criteria provided, single submitter. Criteria: Invitae Variant Classification Sherloc (09022015). Collection method: clinical testing. Allele origin: germline.
Comment: This sequence change results in a premature translational stop signal in the EDAR gene (p.Gly390Alafs*2). While this is not anticipated to result in nonsense mediated decay, it is expected to disrupt the last 59 amino acids of the EDAR protein. For these reasons, this variant has been classified as Pathogenic. This variant disrupts the C-terminus of the EDAR protein. Other variant(s) that disrupt this region (p.Phe398*) have been determined to be pathogenic (PMID:24641098, 23401279). This suggests that variants that disrupt this region of the protein are likely to be causative of disease. This variant has been observed in an individual affected with hypohidrotic ectodermal dysplasia (PMID: 27305980). This variant is not present in population databases (ExAC no frequency).

Literature cited by the submitters: PubMed 24641098; PubMed 23401279; PubMed 27305980.